The following is an entry in ClinVar:

NM_052867.4(NALCN):c.3057+3A>G

Gene: NALCN (sodium leak channel, non-selective; minus strand). Cytogenetic location: 13q33.1.
Variant type: single nucleotide variant.
Coding change: c.3057+3A>G on transcript NM_052867.4 (MANE Select); 3 bases into the intron after coding-DNA position 3057, A replaced by G.
Molecular consequence: intron variant.
Genome position (GRCh38, 1-based): chr13:101,103,169, T>C on the plus strand (A>G on the coding strand, the complement: NALCN is on the minus strand). VCF-style: chr13-101103169-T-C. GRCh37 (hg19) VCF-style: chr13-101755520-T-C.
Other names: c.2970+3A>G (NM_001350751.2, NM_001350750.2); c.3057+3A>G (NM_001350749.2); c.3144+3A>G (NM_001350748.2).
Identifiers: ClinVar variation 2996614 (VCV002996614.3), dbSNP rs1395533756, ClinGen allele CA611939200.
Genomic context (GRCh38, chr13:101,103,169, plus strand): 5'-CCTCATTAGCTGCATTAGAGGTGGACTACTGTGAACTGGAATCAAAGGATAATTCTCACA[T>C]ACCAAAAAAATTTCCTTGAAGCCGCTGAAAAGTTCTCGAACAACTTTCCTCATCTGGGGC-3'

ClinVar aggregate classification (germline): Uncertain significance (1 of 4 stars; one submission).

Allele frequency attached by ClinVar (database versions not stated): TOPMed below 0.00001; gnomAD 0.00001; gnomAD exomes 0.00003.
gnomAD v4.1: 38 of 1,611,806 alleles (0.0024%); highest among the groups gnomAD compares: Non-Finnish European, 0.0031%; no homozygotes.

Submission:

Labcorp Genetics (formerly Invitae), Labcorp
Classification: Uncertain significance. Last evaluated: 2022-11-17. Review status: criteria provided, single submitter. Criteria: Invitae Variant Classification Sherloc (09022015). Collection method: clinical testing. Allele origin: germline.
Comment: In summary, the available evidence is currently insufficient to determine the role of this variant in disease. Therefore, it has been classified as a Variant of Uncertain Significance. Variants that disrupt the consensus splice site are a relatively common cause of aberrant splicing (PMID: 17576681, 9536098). Algorithms developed to predict the effect of sequence changes on RNA splicing suggest that this variant may disrupt the consensus splice site. This variant has not been reported in the literature in individuals affected with NALCN-related conditions. This sequence change falls in intron 26 of the NALCN gene. It does not directly change the encoded amino acid sequence of the NALCN protein. It affects a nucleotide within the consensus splice site. This variant is present in population databases (no rsID available, gnomAD 0.0009%).

Literature cited by the submitters: PubMed 17576681; PubMed 9536098.